The following is an entry in ClinVar:

ClinVar aggregate classification (germline): Pathogenic/Likely pathogenic. Review status: criteria provided, multiple submitters, no conflicts (2 of 4 stars). 4 submissions from 4 submitters: Pathogenic (3); Likely pathogenic (1). Last evaluated 2025-07-27.

Conditions:
ELN-related disorder.
Supravalvar aortic stenosis (SVAS). Also called: Supravalvar aortic stenosis, Eisenberg type. Identifiers: Orphanet 3193, MedGen C0003499, MONDO:0008504, OMIM 185500, HP:0004381.

Allele frequency attached by ClinVar (database versions not stated): TOPMed 0.00001.

Submissions (4):

Labcorp Genetics (formerly Invitae), Labcorp
Classification: Pathogenic for Supravalvar aortic stenosis. Last evaluated: 2025-07-27. Review status: criteria provided, single submitter. Criteria: Invitae Variant Classification Sherloc (09022015). Collection method: clinical testing. Allele origin: germline.
Comment: This sequence change affects the initiator methionine of the ELN mRNA. There are no downstream in-frame methionine residues; therefore, it is expected to result in an absent or disrupted protein product. Loss-of-function variants in ELN are known to be pathogenic (PMID: 9215670, 11175284). This variant is not present in population databases (gnomAD no frequency). Disruption of the initiator codon has been observed in individuals with syndromic structural heart defects (PMID: 10942104, 22740173). ClinVar contains an entry for this variant (Variation ID: 213185). For these reasons, this variant has been classified as Pathogenic.

GeneDx
Classification: Pathogenic. Last evaluated: 2025-05-29. Review status: criteria provided, single submitter. Criteria: GeneDx Variant Classification Process June 2021. Collection method: clinical testing. Allele origin: germline. Affected: yes.
Comment: Not observed at significant frequency in large population cohorts (gnomAD); Initiation codon variant in a gene for which loss of function is a known mechanism of disease; This variant is associated with the following publications: (PMID: 35741248, 28574231, 39604264, 22740173)

Blueprint Genetics
Classification: Pathogenic for ELN-related disorders. Last evaluated: 2021-12-27. Review status: criteria provided, single submitter. Criteria: ACMG Guidelines, 2015. Collection method: clinical testing. Allele origin: germline. Affected: yes. Observed: 4 variant alleles.

Laboratory for Molecular Medicine, Mass General Brigham Personalized Medicine
Classification: Likely pathogenic for Supravalvar aortic stenosis. Last evaluated: 2020-08-24. Review status: criteria provided, single submitter. Criteria: ACMG Guidelines, 2015. Collection method: clinical testing. Allele origin: germline.
Comment: The p.Met1? in ELN has been reported in 2 family members with peripheral pulmonary stenosis, supravalvular aortic stenosis, and severe pulmonary emphysema (Louw 2012 PubMed: 22740173) and was absent from large population studies. This variant is listed in ClinVar (allele ID: 209907). This variant affects the translation initiation start codon (ATG). Since no other in-frame methionine is present in the elastin mRNA, this variant is predicted to lead to the absence of the elastin protein. In summary, although additional studies are required to fully establish its clinical significance, this variant meets criteria to be classified as likely pathogenic. ACMG/AMP Criteria applied: PM2, PVS1_Strong, PS4_Supporting.

Literature cited by the submitters: PubMed 9215670 (cited by Labcorp Genetics (formerly Invitae), Labcorp); PubMed 11175284 (cited by Labcorp Genetics (formerly Invitae), Labcorp); PubMed 10942104 (cited by Labcorp Genetics (formerly Invitae), Labcorp); PubMed 22740173 (cited by Labcorp Genetics (formerly Invitae), Labcorp).

NM_000501.4(ELN):c.2T>C (p.Met1Thr)

Gene: ELN (elastin; plus strand). Cytogenetic location: 7q11.23.
Variant type: single nucleotide variant.
Coding change: c.2T>C on transcript NM_000501.4 (MANE Select); coding-DNA position 2, T replaced by C.
Protein change: p.Met1Thr; changes the start codon (methionine 1).
Molecular consequence: missense variant, initiator codon variant.
Genome position (GRCh38, 1-based): chr7:74,028,189, T>C. VCF-style: chr7-74028189-T-C. GRCh37 (hg19) VCF-style: chr7-73442519-T-C.
Other names: p.M1?:ATG>ACG; c.2T>C, p.Met1Thr (NM_001081752.3, NM_001081753.3, NM_001081754.3 and 9 more transcripts); short protein forms M1T.
Identifiers: ClinVar variation 213185 (VCV000213185.18), dbSNP rs863223518, ClinGen allele CA319968.